The following is an entry in ClinVar:

ClinVar aggregate classification (germline): Benign (0 of 4 stars; one submission).

Conditions:
MEI1-related disorder. Also called: MEI1-related condition.

Allele frequency attached by ClinVar (database versions not stated): gnomAD exomes 0.01923; ExAC 0.03100; gnomAD 0.08094; ESP Exome Variant Server 0.08228; 1000 Genomes Project 0.08427; 1000 Genomes Project 30x 0.08948; TOPMed 0.08950.
gnomAD v4.1: 40,985 of 1,613,842 alleles (2.5%); highest among the groups gnomAD compares: African/African-American, 26%; 2,781 homozygotes.

Submission:

PreventionGenetics, part of Exact Sciences
Classification: Benign for MEI1-related condition. Last evaluated: 2019-11-11. Review status: no assertion criteria provided. Collection method: clinical testing. Allele origin: germline.
Comment: This variant is classified as benign based on ACMG/AMP sequence variant interpretation guidelines (Richards et al. 2015 PMID: 25741868, with internal and published modifications).

NM_152513.4(MEI1):c.2013T>C (p.Pro671=)

Gene: MEI1 (meiotic double-stranded break formation protein 1; plus strand). Cytogenetic location: 22q13.2.
Variant type: single nucleotide variant.
Coding change: c.2013T>C on transcript NM_152513.4 (MANE Select); coding-DNA position 2013, T replaced by C.
Protein change: p.Pro671=; no amino-acid change (proline 671 retained).
Molecular consequence: synonymous variant.
Genome position (GRCh38, 1-based): chr22:41,758,426, T>C. VCF-style: chr22-41758426-T-C. GRCh37 (hg19) VCF-style: chr22-42154430-T-C.
Identifiers: ClinVar variation 3056891 (VCV003056891.2), dbSNP rs8141939, ClinGen allele CA10260389.